The following is an entry in ClinVar:

ClinVar aggregate classification (germline): Likely benign. Review status: criteria provided, multiple submitters, no conflicts (2 of 4 stars). 3 submissions from 3 submitters: Likely benign (3). Last evaluated 2025-11-09.

Conditions:
Catecholaminergic polymorphic ventricular tachycardia (CVPT). Also called: Catecholamine-induced polymorphic ventricular tachycardia. Identifiers: Orphanet 3286, MedGen C5574922, MONDO:0017990.
Cardiomyopathy (CMYO). Also called: Cardiomyopathies. Identifiers: Orphanet 167848, MedGen C0878544, MONDO:0004994, HP:0001638. Inheritance: Various modes of inheritance.
Catecholaminergic polymorphic ventricular tachycardia 1. Also called: VENTRICULAR TACHYCARDIA, CATECHOLAMINERGIC POLYMORPHIC, 1, WITH OR WITHOUT ATRIAL DYSFUNCTION AND/OR DILATED CARDIOMYOPATHY; RYR2-Related Catecholaminergic Polymorphic Ventricular Tachycardia; VENTRICULAR TACHYCARDIA, STRESS-INDUCED POLYMORPHIC 1. Identifiers: Orphanet 3286, MedGen C1631597, MONDO:0011484, OMIM 604772.

Allele frequency attached by ClinVar (database versions not stated): gnomAD 0.00001.
gnomAD v4.1: 48 of 1,613,414 alleles (0.003%); highest among the groups gnomAD compares: Non-Finnish European, 0.004%; no homozygotes.

Submissions (3):

Labcorp Genetics (formerly Invitae), Labcorp
Classification: Likely benign for Catecholaminergic polymorphic ventricular tachycardia 1. Last evaluated: 2025-11-09. Review status: criteria provided, single submitter. Criteria: Invitae Variant Classification Sherloc (09022015). Collection method: clinical testing. Allele origin: germline.

All of Us Research Program, National Institutes of Health
Classification: Likely benign for Catecholaminergic polymorphic ventricular tachycardia. Last evaluated: 2022-11-28. Review status: criteria provided, single submitter. Criteria: ACMG Guidelines, 2015. Collection method: clinical testing. Allele origin: germline. Inheritance: Autosomal dominant inheritance. Observed: 1 variant allele, 1 heterozygote.
Comment: This study involves interpretation of variants in research participants for the purpose of population health screening. Participant phenotype was not available at the time of variant classification. Additional details can be found in publication PMID: 35346344, PMCID: PMC8962531

Color Diagnostics, LLC DBA Color Health
Classification: Likely benign for Cardiomyopathy. Last evaluated: 2019-01-30. Review status: criteria provided, single submitter. Criteria: ACMG Guidelines, 2015. Collection method: clinical testing. Allele origin: germline.

NM_001035.3(RYR2):c.4302T>A (p.Pro1434=)

Gene: RYR2 (ryanodine receptor 2; plus strand). Cytogenetic location: 1q43.
Variant type: single nucleotide variant.
Coding change: c.4302T>A on transcript NM_001035.3 (MANE Select); coding-DNA position 4302, T replaced by A.
Protein change: p.Pro1434=; no amino-acid change (proline 1434 retained).
Molecular consequence: synonymous variant.
Genome position (GRCh38, 1-based): chr1:237,593,502, T>A. VCF-style: chr1-237593502-T-A. GRCh37 (hg19) VCF-style: chr1-237756802-T-A.
Identifiers: ClinVar variation 919504 (VCV000919504.5), dbSNP rs764119072, ClinGen allele CA39805610.